The following is an entry in ClinVar:

ClinVar aggregate classification (germline): Uncertain significance. Review status: criteria provided, multiple submitters, no conflicts (2 of 4 stars). 2 submissions from 2 submitters: Uncertain significance (2). Last evaluated 2022-11-15.

Allele frequency attached by ClinVar (database versions not stated): gnomAD exomes below 0.00001.
gnomAD v4.1: 1 of 1,614,020 alleles (0.000062%); highest among the groups gnomAD compares: Non-Finnish European, 0.000085%; no homozygotes.

Submissions (2):

Blueprint Genetics
Classification: Uncertain significance. Last evaluated: 2022-11-15. Review status: criteria provided, single submitter. Criteria: ACMG Guidelines, 2015. Collection method: clinical testing. Allele origin: germline.

Labcorp Genetics (formerly Invitae), Labcorp
Classification: Uncertain significance. Last evaluated: 2022-08-29. Review status: criteria provided, single submitter. Criteria: Invitae Variant Classification Sherloc (09022015). Collection method: clinical testing. Allele origin: germline.
Comment: In summary, the available evidence is currently insufficient to determine the role of this variant in disease. Therefore, it has been classified as a Variant of Uncertain Significance. Algorithms developed to predict the effect of missense changes on protein structure and function (SIFT, PolyPhen-2, Align-GVGD) all suggest that this variant is likely to be tolerated. This variant has not been reported in the literature in individuals affected with HK1-related conditions. This variant is present in population databases (no rsID available, gnomAD 0.006%). This sequence change replaces methionine, which is neutral and non-polar, with valine, which is neutral and non-polar, at codon 483 of the HK1 protein (p.Met483Val).

NM_000188.3(HK1):c.1447A>G (p.Met483Val)

Gene: HK1 (hexokinase 1; plus strand). Cytogenetic location: 10q22.1.
Variant type: single nucleotide variant.
Coding change: c.1447A>G on transcript NM_000188.3 (MANE Select); coding-DNA position 1447, A replaced by G.
Protein change: p.Met483Val; replaces methionine 483 with valine.
Molecular consequence: missense variant.
Genome position (GRCh38, 1-based): chr10:69,382,668, A>G. VCF-style: chr10-69382668-A-G. GRCh37 (hg19) VCF-style: chr10-71142424-A-G.
Other names: c.1459A>G, p.Met487Val (NM_001322364.2, NM_001358263.1, NM_033497.3 and 1 more transcripts); c.1552A>G, p.Met518Val (NM_001322365.2); c.1363A>G, p.Met455Val (NM_001322366.1); c.1351A>G, p.Met451Val (NM_001322367.1); c.1444A>G, p.Met482Val (NM_033496.3); c.1411A>G, p.Met471Val (NM_033500.2); short protein forms M451V, M471V, M518V, M483V, M455V, M487V, M482V.
Identifiers: ClinVar variation 2121196 (VCV002121196.5), dbSNP rs1212127259, ClinGen allele CA376909951.